The following is an entry in ClinVar:

ClinVar aggregate classification (germline): Pathogenic (1 of 4 stars; one submission).

Conditions:
Primary ciliary dyskinesia. Also called: Ciliary dyskinesia. Identifiers: Orphanet 244, MedGen C0008780, MONDO:0016575, HP:0012265.

Allele frequency attached by ClinVar (database versions not stated): gnomAD 0.00002 and 0.00003; gnomAD exomes 0.00002; TOPMed 0.00002; ExAC 0.00003; 1000 Genomes Project 30x 0.00016; ESP Exome Variant Server 0.00017; 1000 Genomes Project 0.00020.
gnomAD v4.1: 15 of 1,586,438 alleles (0.00095%); highest among the groups gnomAD compares: African/African-American, 0.0041%; no homozygotes.

Submission:

Labcorp Genetics (formerly Invitae), Labcorp
Classification: Pathogenic for Primary ciliary dyskinesia. Last evaluated: 2025-07-16. Review status: criteria provided, single submitter. Criteria: Invitae Variant Classification Sherloc (09022015). Collection method: clinical testing. Allele origin: germline.
Comment: This sequence change replaces alanine, which is neutral and non-polar, with threonine, which is neutral and polar, at codon 4436 of the DNAH11 protein (p.Ala4436Thr). This variant is present in population databases (rs370565524, gnomAD 0.008%). This missense change has been observed in individual(s) with primary ciliary dyskinesia (internal data). In at least one individual the data is consistent with being in trans (on the opposite chromosome) from a pathogenic variant. ClinVar contains an entry for this variant (Variation ID: 853422). An algorithm developed to predict the effect of missense changes on protein structure and function (PolyPhen-2) suggests that this variant is likely to be disruptive. For these reasons, this variant has been classified as Pathogenic.

NM_001277115.2(DNAH11):c.13306G>A (p.Ala4436Thr)

Genes: CDCA7L (cell division cycle associated 7 like; minus strand), DNAH11 (dynein axonemal heavy chain 11; plus strand). Cytogenetic location: 7p15.3.
Variant type: single nucleotide variant.
Coding change: c.13306G>A on transcript NM_001277115.2 (MANE Select); coding-DNA position 13306, G replaced by A.
Protein change: p.Ala4436Thr; replaces alanine 4436 with threonine.
Molecular consequence: missense variant. On other transcripts: 3 prime UTR variant (3).
Genome position (GRCh38, 1-based): chr7:21,901,009, G>A. VCF-style: chr7-21901009-G-A. GRCh37 (hg19) VCF-style: chr7-21940627-G-A.
Other names: c.*1313C>T (NM_001127370.3, NM_001127371.3, NM_018719.5); short protein forms A4436T.
Identifiers: ClinVar variation 853422 (VCV000853422.10), dbSNP rs370565524, ClinGen allele CA4183449.
Genomic context (GRCh38, chr7:21,901,009, plus strand): 5'-ATCATTATCATTAGTAGCAAGCTGCCACACAATTGCAACCGCTGTGTTTTTGCCATAGGC[G>A]CCCGCTGGGACACCCAAGCAGGAACCATTGTTGAAGCCCGTCTCAAGGAGCTGGCATGCC-3'
Protein context (NP_001264044.1, residues 4426-4446): AYLHGLFMEG[Ala4436Thr]RWDTQAGTIV